The following is an entry in ClinVar:

NM_020680.4(SCYL1):c.1344C>G (p.Thr448=)

Gene: SCYL1 (SCY1 like pseudokinase 1; plus strand). Cytogenetic location: 11q13.1.
Variant type: single nucleotide variant.
Coding change: c.1344C>G on transcript NM_020680.4 (MANE Select); coding-DNA position 1344, C replaced by G.
Protein change: p.Thr448=; no amino-acid change (threonine 448 retained).
Molecular consequence: synonymous variant.
Genome position (GRCh38, 1-based): chr11:65,535,340, C>G. VCF-style: chr11-65535340-C-G. GRCh37 (hg19) VCF-style: chr11-65302811-C-G.
Other names: c.1344C>G, p.Thr448= (NM_001048218.2, NM_001411022.1, NM_001425179.1 and 16 more transcripts); c.1341C>G, p.Thr447= (NM_001425180.1, NM_001425183.1); c.1266C>G, p.Thr422= (NM_001425187.1); c.1260C>G, p.Thr420= (NM_001425189.1); c.1230C>G, p.Thr410= (NM_001425191.1); c.1089C>G, p.Thr363= (NM_001425199.1); c.1080C>G, p.Thr360= (NM_001425200.1); c.915C>G, p.Thr305= (NM_001425203.1, NM_001425204.1, NM_001425205.1 and 2 more transcripts); and 1 more.
Identifiers: ClinVar variation 4821702 (VCV004821702.4).
Genomic context (GRCh38, chr11:65,535,340, plus strand): 5'-GATGAAGCACTTTGCACGGCTACAGGCCAAGGATGAACAGGGCCCCATCCGCTGCAACAC[C>G]ACAGTCTGCCTGGGCAAAATCGGCTCCTACCTCAGTGCTAGCGTGAGTGTCCTGCACAAC-3'
Protein context (NP_065731.3, residues 438-458): KDEQGPIRCN[Thr448=]TVCLGKIGSY

ClinVar aggregate classification (germline): Likely benign (1 of 4 stars; one submission).

gnomAD v4.1: 3 of 1,614,268 alleles (0.00019%); highest among the groups gnomAD compares: Non-Finnish European, 0.00025%; no homozygotes.

Submission:

CeGaT Center for Human Genetics Tuebingen
Classification: Likely benign. Last evaluated: 2026-03-01. Review status: criteria provided, single submitter. Criteria: CeGaT Center For Human Genetics Tuebingen Variant Classification Criteria Version 2. Collection method: clinical testing. Allele origin: germline. Affected: yes. Observed: 1 variant allele.
Comment: SCYL1: BP4, BP7